The following is an entry in ClinVar:

NM_000742.4(CHRNA2):c.929T>G (p.Phe310Cys)

Gene: CHRNA2 (cholinergic receptor nicotinic alpha 2 subunit; minus strand). Cytogenetic location: 8p21.2.
Variant type: single nucleotide variant.
Coding change: c.929T>G on transcript NM_000742.4 (MANE Select); coding-DNA position 929, T replaced by G.
Protein change: p.Phe310Cys; replaces phenylalanine 310 with cysteine.
Molecular consequence: missense variant.
Genome position (GRCh38, 1-based): chr8:27,463,514, A>C on the plus strand (T>G on the coding strand, the complement: CHRNA2 is on the minus strand). VCF-style: chr8-27463514-A-C. GRCh37 (hg19) VCF-style: chr8-27321031-A-C.
Other names: c.884T>G, p.Phe295Cys (NM_001282455.2); c.452T>G, p.Phe151Cys (NM_001347705.2, NM_001347706.2); c.335T>G, p.Phe112Cys (NM_001347707.2, NM_001347708.2); short protein forms F310C, F151C, F112C, F295C.
Identifiers: ClinVar variation 578363 (VCV000578363.5), dbSNP rs1563318247, ClinGen allele CA370810240.
Genomic context (GRCh38, chr8:27,463,514, plus strand): 5'-TCGCCGATGAGCGGGATGACCAGCGAGGTGGACGGGATGATCTCAGTGATGAGCAGCAGG[A>C]AGACGGTGAGTGACAGCAGCACCGAAATGCACAGCGTGATCTTCTCGCCGCAGTCGGAGG-3'
Protein context (NP_000733.2, residues 300-320): CISVLLSLTV[Phe310Cys]LLLITEIIPS

ClinVar aggregate classification (germline): Uncertain significance (1 of 4 stars; one submission).

Conditions:
Familial sleep-related hypermotor epilepsy. Also called: Autosomal Dominant Sleep-Related Hypermotor (Hyperkinetic) Epilepsy. Identifiers: Orphanet 98784, MedGen C3696898, MONDO:0000030.

Submission:

Labcorp Genetics (formerly Invitae), Labcorp
Classification: Uncertain significance. Last evaluated: 2022-09-12. Review status: criteria provided, single submitter. Criteria: Invitae Variant Classification Sherloc (09022015). Collection method: clinical testing. Allele origin: germline.
Comment: In summary, the available evidence is currently insufficient to determine the role of this variant in disease. Therefore, it has been classified as a Variant of Uncertain Significance. Advanced modeling of protein sequence and biophysical properties (such as structural, functional, and spatial information, amino acid conservation, physicochemical variation, residue mobility, and thermodynamic stability) performed at Invitae indicates that this missense variant is expected to disrupt CHRNA2 protein function. ClinVar contains an entry for this variant (Variation ID: 578363). This variant has not been reported in the literature in individuals affected with CHRNA2-related conditions. This variant is not present in population databases (gnomAD no frequency). This sequence change replaces phenylalanine, which is neutral and non-polar, with cysteine, which is neutral and slightly polar, at codon 310 of the CHRNA2 protein (p.Phe310Cys).